The following is an entry in ClinVar:

NM_005120.3(MED12):c.934G>C (p.Val312Leu)

Gene: MED12 (mediator complex subunit 12; plus strand). Cytogenetic location: Xq13.1.
Variant type: single nucleotide variant.
Coding change: c.934G>C on transcript NM_005120.3 (MANE Select); coding-DNA position 934, G replaced by C.
Protein change: p.Val312Leu; replaces valine 312 with leucine.
Molecular consequence: missense variant.
Genome position (GRCh38, 1-based): chrX:71,121,649, G>C. VCF-style: chrX-71121649-G-C. GRCh37 (hg19) VCF-style: chrX-70341499-G-C.
Other names: short protein forms V312L.
Identifiers: ClinVar variation 129589 (VCV000129589.49), dbSNP rs377403264, ClinGen allele CA288953.

ClinVar aggregate classification (germline): Benign/Likely benign. Review status: criteria provided, multiple submitters, no conflicts (2 of 4 stars). 7 submissions from 7 submitters: Benign (2); Likely benign (5). Last evaluated 2026-02-01.

Conditions:
FG syndrome (FGS). Identifiers: MedGen C0220769, MONDO:0002010.
Familial thoracic aortic aneurysm and aortic dissection (TAAD). Also called: Thoracic aortic aneurysms and dissections. Identifiers: Orphanet 91387, MedGen C4707243, MONDO:0019625.
X-linked intellectual disability with marfanoid habitus. Also called: Lujan Syndrome (LS); X-linked mental retardation with marfanoid habitus syndrome; INTELLECTUAL DEVELOPMENTAL DISORDER, X-LINKED, SYNDROMIC, LUJAN-FRYNS TYPE; Lujan Syndrome. Identifiers: Orphanet 776, MedGen C0796022, MONDO:0010655, OMIM 309520.

Allele frequency attached by ClinVar (database versions not stated): ExAC 0.00013; gnomAD exomes 0.00017 and 0.00037; ESP Exome Variant Server 0.00019; gnomAD 0.00020 and 0.00021; TOPMed 0.00020.
gnomAD v4.1: 422 of 1,209,728 alleles (0.035%); highest among the groups gnomAD compares: Non-Finnish European, 0.046%; no homozygotes.

Submissions (7):

Labcorp Genetics (formerly Invitae), Labcorp
Classification: Benign for FG syndrome. Last evaluated: 2026-02-01. Review status: criteria provided, single submitter. Criteria: Invitae Variant Classification Sherloc (09022015). Collection method: clinical testing. Allele origin: germline.

Blueprint Genetics
Classification: Likely benign. Last evaluated: 2024-11-21. Review status: criteria provided, single submitter. Criteria: ACMG Guidelines, 2015. Collection method: clinical testing. Allele origin: germline.

CeGaT Center for Human Genetics Tuebingen
Classification: Likely benign. Last evaluated: 2022-11-01. Review status: criteria provided, single submitter. Criteria: CeGaT Center For Human Genetics Tuebingen Variant Classification Criteria Version 2. Collection method: clinical testing. Allele origin: germline. Affected: yes. Observed: 1 variant allele.
Comment: MED12: BP4, BS2

GeneDx
Classification: Likely benign. Last evaluated: 2021-06-23. Review status: criteria provided, single submitter. Criteria: GeneDx Variant Classification Process June 2021. Collection method: clinical testing. Allele origin: germline. Affected: yes.
Comment: This variant is associated with the following publications: (PMID: 27535533)

Centre for Mendelian Genomics, University Medical Centre Ljubljana
Classification: Likely benign for X-linked intellectual disability with marfanoid habitus. Last evaluated: 2019-02-20. Review status: criteria provided, single submitter. Criteria: ACMG Guidelines, 2015. Collection method: clinical testing. Allele origin: unknown. Affected: yes.
Comment: This variant was classified as: Likely benign. The following ACMG criteria were applied in classifying this variant: BP4,BP6. This variant was detected in hemizygous state.

Ambry Genetics
Classification: Benign for Familial thoracic aortic aneurysm and aortic dissection. Last evaluated: 2017-10-25. Review status: criteria provided, single submitter. Criteria: Ambry Variant Classification Scheme 2023. Collection method: clinical testing. Allele origin: germline.

Genetic Services Laboratory, University of Chicago
Classification: Likely benign for AllHighlyPenetrant. Last evaluated: 2013-07-15. Review status: criteria provided, single submitter. Criteria: ACMG Guidelines, 2007. Collection method: clinical testing. Allele origin: germline. Inheritance: X-linked inheritance.